The following is an entry in ClinVar:

NM_002617.4(PEX10):c.422C>A (p.Ala141Glu)

Gene: PEX10 (peroxisomal biogenesis factor 10; minus strand). Cytogenetic location: 1p36.32.
Variant type: single nucleotide variant.
Coding change: c.422C>A on transcript NM_002617.4 (MANE Select); coding-DNA position 422, C replaced by A.
Protein change: p.Ala141Glu; replaces alanine 141 with glutamic acid.
Molecular consequence: missense variant. On other transcripts: 5 prime UTR variant (2), non-coding transcript variant (1).
Genome position (GRCh38, 1-based): chr1:2,408,630, G>T on the plus strand (C>A on the coding strand, the complement: PEX10 is on the minus strand). VCF-style: chr1-2408630-G-T. GRCh37 (hg19) VCF-style: chr1-2340069-G-T.
Other names: c.422C>A, p.Ala141Glu (NM_001374425.1, NM_153818.2); c.-11C>A (NM_001374426.1, NM_001374427.1); short protein forms A141E.
Identifiers: ClinVar variation 2065073 (VCV002065073.4), dbSNP rs778322648, ClinGen allele CA337987960.

ClinVar aggregate classification (germline): Uncertain significance (1 of 4 stars; one submission).

Conditions:
Peroxisome biogenesis disorder, complementation group 7 (CG7). Also called: Peroxisome biogenesis disorder, complementation group B. Identifiers: MedGen C1864399.

Submission:

Labcorp Genetics (formerly Invitae), Labcorp
Classification: Uncertain significance for Peroxisome biogenesis disorder, complementation group 7. Last evaluated: 2021-12-29. Review status: criteria provided, single submitter. Criteria: Invitae Variant Classification Sherloc (09022015). Collection method: clinical testing. Allele origin: germline.
Comment: In summary, the available evidence is currently insufficient to determine the role of this variant in disease. Therefore, it has been classified as a Variant of Uncertain Significance. Algorithms developed to predict the effect of missense changes on protein structure and function (SIFT, PolyPhen-2, Align-GVGD) all suggest that this variant is likely to be tolerated. This variant has not been reported in the literature in individuals affected with PEX10-related conditions. This variant is not present in population databases (gnomAD no frequency). This sequence change replaces alanine, which is neutral and non-polar, with glutamic acid, which is acidic and polar, at codon 141 of the PEX10 protein (p.Ala141Glu).